The following is an entry in ClinVar:

ClinVar aggregate classification (germline): Uncertain significance. Review status: criteria provided, multiple submitters, no conflicts (2 of 4 stars). 2 submissions from 2 submitters: Uncertain significance (2). Last evaluated 2024-09-19.

Submissions (2):

GeneDx
Classification: Uncertain significance. Last evaluated: 2024-09-19. Review status: criteria provided, single submitter. Criteria: GeneDx Variant Classification Process June 2021. Collection method: clinical testing. Allele origin: germline.
Comment: Not observed at significant frequency in large population cohorts (gnomAD); In silico analysis supports that this missense variant has a deleterious effect on protein structure/function; Has not been previously published as pathogenic or benign to our knowledge

Labcorp Genetics (formerly Invitae), Labcorp
Classification: Uncertain significance. Last evaluated: 2024-09-12. Review status: criteria provided, single submitter. Criteria: Invitae Variant Classification Sherloc (09022015). Collection method: clinical testing. Allele origin: germline.
Comment: This sequence change replaces leucine, which is neutral and non-polar, with serine, which is neutral and polar, at codon 738 of the SCN3A protein (p.Leu738Ser). This variant is not present in population databases (gnomAD no frequency). This variant has not been reported in the literature in individuals affected with SCN3A-related conditions. ClinVar contains an entry for this variant (Variation ID: 2499714). Invitae Evidence Modeling of protein sequence and biophysical properties (such as structural, functional, and spatial information, amino acid conservation, physicochemical variation, residue mobility, and thermodynamic stability) indicates that this missense variant is expected to disrupt SCN3A protein function with a positive predictive value of 80%. In summary, the available evidence is currently insufficient to determine the role of this variant in disease. Therefore, it has been classified as a Variant of Uncertain Significance.

NM_006922.4(SCN3A):c.2213T>C (p.Leu738Ser)

Gene: SCN3A (sodium voltage-gated channel alpha subunit 3; minus strand). Cytogenetic location: 2q24.3.
Variant type: single nucleotide variant.
Coding change: c.2213T>C on transcript NM_006922.4 (MANE Select); coding-DNA position 2213, T replaced by C.
Protein change: p.Leu738Ser; replaces leucine 738 with serine.
Molecular consequence: missense variant.
Genome position (GRCh38, 1-based): chr2:165,138,057, A>G on the plus strand (T>C on the coding strand, the complement: SCN3A is on the minus strand). VCF-style: chr2-165138057-A-G. GRCh37 (hg19) VCF-style: chr2-165994567-A-G.
Other names: c.2066T>C, p.Leu689Ser (NM_001081676.2, NM_001081677.2); short protein forms L689S, L738S.
Identifiers: ClinVar variation 2499714 (VCV002499714.4), dbSNP rs1553526666, ClinGen allele CA349045343.
Genomic context (GRCh38, chr2:165,138,057, plus strand): 5'-ATAACAATTAAATTCACAAGATGTTTTACTTTTAACCATGCATCACAGCAGTCCCAGATC[A>G]AGAACACATTGGCAAATCTATACCAGCATGGCGGACATTTCTGTCTAGATTCTTCAAGTT-3'
Protein context (NP_008853.3, residues 728-748): PCWYRFANVF[Leu738Ser]IWDCCDAWLK